The following is an entry in ClinVar:

NM_002049.4(GATA1):c.757C>T (p.Arg253Trp)

Gene: GATA1 (GATA binding protein 1; plus strand). Cytogenetic location: Xp11.23.
Variant type: single nucleotide variant.
Coding change: c.757C>T on transcript NM_002049.4 (MANE Select); coding-DNA position 757, C replaced by T.
Protein change: p.Arg253Trp; replaces arginine 253 with tryptophan.
Molecular consequence: missense variant.
Genome position (GRCh38, 1-based): chrX:48,793,184, C>T. VCF-style: chrX-48793184-C-T. GRCh37 (hg19) VCF-style: chrX-48651591-C-T.
Other names: short protein forms R253W.
Identifiers: ClinVar variation 2073303 (VCV002073303.8), dbSNP rs1557020430, ClinGen allele CA412871187.

ClinVar aggregate classification (germline): Conflicting classifications of pathogenicity. Review status: criteria provided, conflicting classifications (1 of 4 stars). 3 submissions from 3 submitters: Likely pathogenic (2); Uncertain significance (1). Last evaluated 2026-01-11.

Conditions:
Diamond-Blackfan anemia. Also called: Blackfan Diamond syndrome; Aregenerative anemia chronic congenital; Red cell aplasia, pure hereditary; Congenital hypoplastic anemia; Aase syndrome. Identifiers: Orphanet 124, MedGen C1260899, MeSH D029503, MONDO:0015253, HP:0004810.
GATA binding protein 1 related thrombocytopenia with dyserythropoiesis. Also called: GATA1-Related X-Linked Cytopenia; GATA1-Related Cytopenia. Identifiers: MedGen C1845837, MONDO:0100089.

Allele frequency attached by ClinVar (database versions not stated): gnomAD exomes below 0.00001.

Submissions (3):

Labcorp Genetics (formerly Invitae), Labcorp
Classification: Uncertain significance for GATA binding protein 1 related thrombocytopenia with dyserythropoiesis; Diamond-Blackfan anemia. Last evaluated: 2026-01-11. Review status: criteria provided, single submitter. Criteria: Invitae Variant Classification Sherloc (09022015). Collection method: clinical testing. Allele origin: germline.
Comment: This sequence change replaces arginine, which is basic and polar, with tryptophan, which is neutral and slightly polar, at codon 253 of the GATA1 protein (p.Arg253Trp). This variant is not present in population databases (gnomAD no frequency). This variant has not been reported in the literature in individuals affected with GATA1-related conditions. ClinVar contains an entry for this variant (Variation ID: 2073303). Invitae Evidence Modeling of protein sequence and biophysical properties (such as structural, functional, and spatial information, amino acid conservation, physicochemical variation, residue mobility, and thermodynamic stability) has been performed for this missense variant. However, the output from this modeling did not meet the statistical confidence thresholds required to predict the impact of this variant on GATA1 protein function. In summary, the available evidence is currently insufficient to determine the role of this variant in disease. Therefore, it has been classified as a Variant of Uncertain Significance.

Center for Genomic Medicine, Rigshospitalet, Copenhagen University Hospital
Classification: Likely pathogenic. Last evaluated: 2025-12-29. Review status: criteria provided, single submitter. Criteria: ACMG Guidelines, 2015. Collection method: clinical testing. Allele origin: germline.
Comment: Classification criteria: PS3, PP3_Moderate, PM2_Supporting, PP1

Centre for Clinical Genetics and Genomic Diagnostics, Zealand University Hospital
Classification: Likely pathogenic. Last evaluated: 2025-01-20. Review status: criteria provided, single submitter. Criteria: ACMG Guidelines, 2015. Collection method: clinical testing. Allele origin: germline.

Literature cited by the submitters: PubMed 38103735 (cited by Center for Genomic Medicine, Rigshospitalet, Copenhagen University Hospital).